The following is an entry in ClinVar:

NM_001042492.3(NF1):c.6704+5G>A

Gene: NF1 (neurofibromin 1; plus strand). Cytogenetic location: 17q11.2.
Variant type: single nucleotide variant.
Coding change: c.6704+5G>A on transcript NM_001042492.3 (MANE Select); 5 bases into the intron after coding-DNA position 6704, G replaced by A.
Molecular consequence: intron variant.
Genome position (GRCh38, 1-based): chr17:31,337,885, G>A. VCF-style: chr17-31337885-G-A. GRCh37 (hg19) VCF-style: chr17-29664903-G-A.
Other names: c.6641+5G>A (NM_000267.4).
Identifiers: ClinVar variation 996457 (VCV000996457.11), dbSNP rs2069719353, ClinGen allele CA2255602739.

ClinVar aggregate classification (germline): Uncertain significance. Review status: criteria provided, multiple submitters, no conflicts (2 of 4 stars). 3 submissions from 3 submitters: Uncertain significance (3). Last evaluated 2022-03-15.

Conditions:
Neurofibromatosis, type 1 (NF1). Also called: Neurofibromatosis, type I; VON RECKLINGHAUSEN DISEASE; NEUROFIBROMATOSIS, TYPE I, SOMATIC; Peripheral type neurofibromatosis. Identifiers: Orphanet 636, MedGen C0027831, MONDO:0018975, OMIM 162200. Disease mechanism: loss of function.

Submissions (3):

Genome-Nilou Lab
Classification: Uncertain significance for Neurofibromatosis, type 1. Last evaluated: 2022-03-15. Review status: criteria provided, single submitter. Criteria: ACMG Guidelines, 2015. Collection method: clinical testing. Allele origin: germline. Affected: no.

Labcorp Genetics (formerly Invitae), Labcorp
Classification: Uncertain significance for Neurofibromatosis, type 1. Last evaluated: 2021-06-12. Review status: criteria provided, single submitter. Criteria: Invitae Variant Classification Sherloc (09022015). Collection method: clinical testing. Allele origin: germline.
Comment: In summary, the available evidence is currently insufficient to determine the role of this variant in disease. Therefore, it has been classified as a Variant of Uncertain Significance. Nucleotide substitutions within the consensus splice site are a relatively common cause of aberrant splicing (PMID: 17576681, 9536098). Algorithms developed to predict the effect of sequence changes on RNA splicing suggest that this variant may disrupt the consensus splice site, but this prediction has not been confirmed by published transcriptional studies. This variant has not been reported in the literature in individuals with NF1-related conditions. ClinVar contains an entry for this variant (Variation ID: 996457). This variant is not present in population databases (ExAC no frequency). This sequence change falls in intron 43 of the NF1 gene. It does not directly change the encoded amino acid sequence of the NF1 protein. It affects a nucleotide within the consensus splice site of the intron.

Genome Diagnostics Laboratory, The Hospital for Sick Children
Classification: Uncertain significance for Neurofibromatosis, type 1. Last evaluated: 2020-10-26. Review status: criteria provided, single submitter. Criteria: ACMG Guidelines, 2015. Collection method: clinical testing. Allele origin: germline. Affected: yes.

Literature cited by the submitters: PubMed 17576681 (cited by Labcorp Genetics (formerly Invitae), Labcorp); PubMed 9536098 (cited by Labcorp Genetics (formerly Invitae), Labcorp).